The following is an entry in ClinVar:

NM_031475.3(ESPN):c.26C>G (p.Ala9Gly)

Gene: ESPN (espin; plus strand). Cytogenetic location: 1p36.31.
Variant type: single nucleotide variant.
Coding change: c.26C>G on transcript NM_031475.3 (MANE Select); coding-DNA position 26, C replaced by G.
Protein change: p.Ala9Gly; replaces alanine 9 with glycine.
Molecular consequence: missense variant.
Genome position (GRCh38, 1-based): chr1:6,424,981, C>G. VCF-style: chr1-6424981-C-G. GRCh37 (hg19) VCF-style: chr1-6485041-C-G.
Other names: c.26C>G, p.Ala9Gly (NM_001367473.1, NM_001367474.1); short protein forms A9G.
Identifiers: ClinVar variation 1306762 (VCV001306762.2), dbSNP rs1642980162, ClinGen allele CA338083005.

ClinVar aggregate classification (germline): Uncertain significance (1 of 4 stars; one submission).

gnomAD v4.1: 2 of 1,457,190 alleles (0.00014%); highest among the groups gnomAD compares: Non-Finnish European, 0.00018%; no homozygotes.

Submission:

GeneDx
Classification: Uncertain significance. Last evaluated: 2019-07-25. Review status: criteria provided, single submitter. Criteria: GeneDx Variant Classification Process June 2021. Collection method: clinical testing. Allele origin: germline. Affected: yes.
Comment: Not observed in large population cohorts (Lek et al., 2016); In silico analysis, which includes protein predictors and evolutionary conservation, supports a deleterious effect; Has not been previously published as pathogenic or benign to our knowledge